The following is an entry in ClinVar:

NM_001009944.3(PKD1):c.659del (p.Gly220fs)

Gene: PKD1 (polycystin 1, transient receptor potential channel interacting; minus strand). Cytogenetic location: 16p13.3.
Variant type: Deletion.
Coding change: c.659del on transcript NM_001009944.3 (MANE Select); coding-DNA position 659, one base deleted (G; older notation c.659delG).
Protein change: p.Gly220fs; shifts the reading frame from glycine 220.
Molecular consequence: frameshift variant.
Genome position (GRCh38, 1-based): chr16:2,118,333, C deleted on the plus strand (G on the coding strand, the reverse complement: PKD1 is on the minus strand); the first of 3 consecutive C bases (chr16:2,118,333-2,118,335); deleting any one gives the same sequence. VCF-style (leftmost placement, unchanged base first): chr16-2118332-GC-G. GRCh37 (hg19) VCF-style: chr16-2168333-GC-G.
Other names: c.659del, p.Gly220fs (NM_000296.4); short protein forms G220fs.
Identifiers: ClinVar variation 1179075 (VCV001179075.2), dbSNP rs2151824233, ClinGen allele CA2499223389.

ClinVar aggregate classification (germline): Pathogenic (1 of 4 stars; one submission).

Conditions:
Polycystic kidney disease, adult type (PKD1). Also called: POLYCYSTIC KIDNEY DISEASE 1 WITH OR WITHOUT POLYCYSTIC LIVER DISEASE; POLYCYSTIC KIDNEY DISEASE, ADULT, TYPE I; Polycystic Kidney Disease 1, Autosomal Dominant; Polycystic kidney disease 1; Polycystic kidney disease 1, severe; Polycystic Kidney, Autosomal Dominant. Identifiers: MedGen C3149841, MONDO:0008263, OMIM 173900.

Submission:

Fulgent Genetics
Classification: Pathogenic for Polycystic kidney disease, adult type. Last evaluated: 2021-06-30. Review status: criteria provided, single submitter. Criteria: ACMG Guidelines, 2015. Collection method: clinical testing. Allele origin: unknown.
Comment: This variant has been detected in individual(s) who were sent for testing of Renasight - kidney gene panel.